The following is an entry in ClinVar:

ClinVar aggregate classification (germline): Uncertain significance (1 of 4 stars; one submission).

Submission:

GeneDx
Classification: Uncertain significance. Last evaluated: 2024-10-11. Review status: criteria provided, single submitter. Criteria: GeneDx Variant Classification Process June 2021. Collection method: clinical testing. Allele origin: germline.
Comment: Not observed in large population cohorts (gnomAD); Canonical splice site variant with an unclear effect on protein function; Has not been previously published as pathogenic or benign to our knowledge; Variants in candidate genes are classified as variants of uncertain significance in accordance with ACMG guidelines (PMID: 25741868)

NM_002332.3(LRP1):c.68-2A>G

Gene: LRP1 (LDL receptor related protein 1; plus strand). Cytogenetic location: 12q13.3.
Variant type: single nucleotide variant.
Coding change: c.68-2A>G on transcript NM_002332.3 (MANE Select); the canonical splice acceptor site of the intron before coding-DNA position 68, A replaced by G.
Molecular consequence: splice acceptor variant.
Genome position (GRCh38, 1-based): chr12:57,138,457, A>G. VCF-style: chr12-57138457-A-G. GRCh37 (hg19) VCF-style: chr12-57532240-A-G.
Identifiers: ClinVar variation 4975623 (VCV004975623.1).